The following is an entry in ClinVar:

NM_001793.6(CDH3):c.2280+6G>C

Gene: CDH3 (cadherin 3; plus strand). Cytogenetic location: 16q22.1.
Variant type: single nucleotide variant.
Coding change: c.2280+6G>C on transcript NM_001793.6 (MANE Select); 6 bases into the intron after coding-DNA position 2280, G replaced by C.
Molecular consequence: intron variant.
Genome position (GRCh38, 1-based): chr16:68,695,929, G>C. VCF-style: chr16-68695929-G-C. GRCh37 (hg19) VCF-style: chr16-68729832-G-C.
Other names: c.2115+6G>C (NM_001317196.2); c.2280+6G>C (NM_001317195.3).
Identifiers: ClinVar variation 1044136 (VCV001044136.7), dbSNP rs1961709443, ClinGen allele CA2229920645.

ClinVar aggregate classification (germline): Uncertain significance (1 of 4 stars; one submission).

Submission:

Labcorp Genetics (formerly Invitae), Labcorp
Classification: Uncertain significance. Last evaluated: 2024-07-29. Review status: criteria provided, single submitter. Criteria: Invitae Variant Classification Sherloc (09022015). Collection method: clinical testing. Allele origin: germline.
Comment: This sequence change falls in intron 15 of the CDH3 gene. It does not directly change the encoded amino acid sequence of the CDH3 protein. It affects a nucleotide within the consensus splice site. This variant is not present in population databases (gnomAD no frequency). This variant has not been reported in the literature in individuals affected with CDH3-related conditions. ClinVar contains an entry for this variant (Variation ID: 1044136). Variants that disrupt the consensus splice site are a relatively common cause of aberrant splicing (PMID: 17576681, 9536098). Algorithms developed to predict the effect of sequence changes on RNA splicing suggest that this variant is not likely to affect RNA splicing. In summary, the available evidence is currently insufficient to determine the role of this variant in disease. Therefore, it has been classified as a Variant of Uncertain Significance.

Literature cited by the submitters: PubMed 17576681; PubMed 9536098.